The following is an entry in ClinVar:

ClinVar aggregate classification (germline): Uncertain significance (1 of 4 stars; one submission).

gnomAD v4.1: 5 of 1,548,366 alleles (0.00032%); highest among the groups gnomAD compares: Non-Finnish European, 0.00044%; no homozygotes.

Submission:

Labcorp Genetics (formerly Invitae), Labcorp
Classification: Uncertain significance. Last evaluated: 2022-07-05. Review status: criteria provided, single submitter. Criteria: Invitae Variant Classification Sherloc (09022015). Collection method: clinical testing. Allele origin: germline.
Comment: In summary, the available evidence is currently insufficient to determine the role of this variant in disease. Therefore, it has been classified as a Variant of Uncertain Significance. Algorithms developed to predict the effect of missense changes on protein structure and function are either unavailable or do not agree on the potential impact of this missense change (SIFT: "Deleterious"; PolyPhen-2: "Probably Damaging"; Align-GVGD: "Class C0"). ClinVar contains an entry for this variant (Variation ID: 1450593). This variant has not been reported in the literature in individuals affected with ZNF469-related conditions. This variant is not present in population databases (gnomAD no frequency). This sequence change replaces aspartic acid, which is acidic and polar, with glutamic acid, which is acidic and polar, at codon 2883 of the ZNF469 protein (p.Asp2883Glu).

NM_001367624.2(ZNF469):c.8733C>A (p.Asp2911Glu)

Gene: ZNF469 (zinc finger protein 469; plus strand). Cytogenetic location: 16q24.2.
Variant type: single nucleotide variant.
Coding change: c.8733C>A on transcript NM_001367624.2 (MANE Select); coding-DNA position 8733, C replaced by A.
Protein change: p.Asp2911Glu; replaces aspartic acid 2911 with glutamic acid.
Molecular consequence: missense variant.
Genome position (GRCh38, 1-based): chr16:88,436,203, C>A. VCF-style: chr16-88436203-C-A. GRCh37 (hg19) VCF-style: chr16-88502611-C-A.
Other names: short protein forms D2911E.
Identifiers: ClinVar variation 1450593 (VCV001450593.8), dbSNP rs567512563, ClinGen allele CA397119310.